The following is an entry in ClinVar:

NM_000203.5(IDUA):c.1163del (p.Thr388fs)

Gene: IDUA (alpha-L-iduronidase; plus strand). Cytogenetic location: 4p16.3.
Variant type: Deletion.
Coding change: c.1163del on transcript NM_000203.5 (MANE Select); coding-DNA position 1163, one base deleted (C; older notation c.1163delC).
Protein change: p.Thr388fs; shifts the reading frame from threonine 388.
Molecular consequence: frameshift variant. On other transcripts: non-coding transcript variant (1).
Genome position (GRCh38, 1-based): chr4:1,002,459, C deleted. VCF-style (leftmost placement, unchanged base first): chr4-1002458-AC-A. GRCh37 (hg19) VCF-style: chr4-996246-AC-A.
Other names: NM_000203.5(IDUA):c.1163del; p.Thr388fs; c.767del, p.Thr256fs (NM_001363576.1); short protein forms T388fs, T256fs.
Identifiers: ClinVar variation 828094 (VCV000828094.5), dbSNP rs1577541504, ClinGen allele CA915942984.

ClinVar aggregate classification (germline): Pathogenic. Review status: reviewed by expert panel (3 of 4 stars). 3 submissions from 3 submitters: Pathogenic (1). 2 of the submissions do not count toward it. Last evaluated 2024-12-06.

Conditions:
Hurler syndrome. Also called: Gargoylism, Hurler Syndrome; MUCOPOLYSACCHARIDOSIS TYPE IH; Severe MPS I (Hurler Syndrome). Identifiers: Orphanet 93473, MedGen C0086795, MONDO:0011758, OMIM 607014.
Mucopolysaccharidosis type 1. Also called: IDUA deficiency; MPS I; Mucopolysaccharidosis Type I. Identifiers: Orphanet 579, MedGen C0023786, MONDO:0001586.

Submissions (3):

ClinGen Lysosomal Storage Disorder Variant Curation Expert Panel
Classification: Pathogenic for Mucopolysaccharidosis type 1. Last evaluated: 2024-12-06. Review status: reviewed by expert panel. Criteria: ClinGen LSD ACMG Specifications IDUA V1.0.0. Collection method: curation. Allele origin: germline. Inheritance: Autosomal recessive inheritance.
Comment: The NM_000203.5(IDUA):c.1163delC (p.Thr388ArgfsTer52) variant in IDUA is a frameshift variant predicted to cause a premature stop codon leading to nonsense mediated decay in a gene in which loss-of-function is an established disease mechanism (PVS1). Two Italian patients with this variant and severe MPS1 have been reported. The diagnosis was based on clinical features, elevated urine GAGs, and reduced IDUA activity in fibroblasts and/or leukocyte. However, individual data were not provided. One patient was compound heterozygous for the variant and another variant in IDUA that has been classified as pathogenic by the ClinGen Lysosomal Diseases VCEP, c.1205G>A (p.Trp402Ter); the phase is unknown (PMID: 12203999). The other patient was compound heterozygous for the variant and c.152G>A (p.Gly51Asp) (PMID: 12203999); the data from the patient will be used in the assessment of p.G;y51Asp and was not included here to avoid circular logic. (PM3_Supporting). This variant is absent in gnomAD v4.1.0. (PM2_Supporting). There is a ClinVar entry for this variant (Variation ID: 828094). In summary, this variant meets the criteria to be classified as pathogenic for mucopolysaccharidosis type 1. IDUA-specific ACMG/AMP criteria met, as specified by the ClinGen Lysosomal Diseases VCEP (Specifications Version 1.0.0): PVS1, PM2_Supporting, PM3_Supporting. (Classification approved by the ClinGen Lysosomal Diseases Variant Curation Expert Panel on December 6, 2024)

Labcorp Genetics (formerly Invitae), Labcorp
Classification: Pathogenic for Mucopolysaccharidosis type 1. Last evaluated: 2023-05-02. Review status: criteria provided, single submitter. Criteria: Invitae Variant Classification Sherloc (09022015). Collection method: clinical testing. Allele origin: germline. Not counted in ClinVar's aggregate classification.
Comment: This premature translational stop signal has been observed in individual(s) with mucopolysaccharidosis type I (PMID: 12203999). For these reasons, this variant has been classified as Pathogenic. ClinVar contains an entry for this variant (Variation ID: 828094). This variant is also known as 1251delC. This variant is not present in population databases (gnomAD no frequency). This sequence change creates a premature translational stop signal (p.Thr388Argfs*52) in the IDUA gene. It is expected to result in an absent or disrupted protein product. Loss-of-function variants in IDUA are known to be pathogenic (PMID: 11735025, 21480867).

Natera, Inc.
Classification: Pathogenic for Hurler syndrome. Last evaluated: 2019-05-20. Review status: no assertion criteria provided. Collection method: clinical testing. Allele origin: germline. Not counted in ClinVar's aggregate classification.

Literature cited by the submitters: PubMed 12203999 (cited by Labcorp Genetics (formerly Invitae), Labcorp); PubMed 11735025 (cited by Labcorp Genetics (formerly Invitae), Labcorp); PubMed 21480867 (cited by Labcorp Genetics (formerly Invitae), Labcorp).